The following is an entry in ClinVar:

ClinVar aggregate classification (germline): Uncertain significance (1 of 4 stars; one submission).

Allele frequency attached by ClinVar (database versions not stated): TOPMed 0.00001.
gnomAD v4.1: 5 of 1,613,904 alleles (0.00031%); highest among the groups gnomAD compares: Non-Finnish European, 0.00042%; no homozygotes.

Submission:

GeneDx
Classification: Uncertain significance. Last evaluated: 2017-06-05. Review status: criteria provided, single submitter. Criteria: GeneDx Variant Classification (06012015). Collection method: clinical testing. Allele origin: germline. Affected: yes.
Comment: A variant of uncertain significance has been identified in the GAN gene. The D227Y variant has not been published as a pathogenic variant, nor has it been reported as a benign variant to our knowledge. The D227Y variant is not observed in large population cohorts (Lek et al., 2016; 1000 Genomes Consortium et al., 2015; Exome Variant Server). The D227Y variant is a non-conservative amino acid substitution, which is likely to impact secondary protein structure as these residues differ in polarity, charge, size and/or other properties. This substitution occurs at a position that is conserved across species, and in silico analysis predicts this variant is probably damaging to the protein structure/function. However, missense variants in nearby residues have not been reported in the Human Gene Mutation Database in association with GAN1 (Stenson et al., 2014). Therefore, based on the currently available information, it is unclear whether this variant is a pathogenic variant or a rare benign variant.

NM_022041.4(GAN):c.679G>T (p.Asp227Tyr)

Gene: GAN (gigaxonin; plus strand). Cytogenetic location: 16q23.2.
Variant type: single nucleotide variant.
Coding change: c.679G>T on transcript NM_022041.4 (MANE Select); coding-DNA position 679, G replaced by T.
Protein change: p.Asp227Tyr; replaces aspartic acid 227 with tyrosine.
Molecular consequence: missense variant.
Genome position (GRCh38, 1-based): chr16:81,356,830, G>T. VCF-style: chr16-81356830-G-T. GRCh37 (hg19) VCF-style: chr16-81390435-G-T.
Other names: c.40G>T, p.Asp14Tyr (NM_001377486.1); short protein forms D227Y, D14Y.
Identifiers: ClinVar variation 432298 (VCV000432298.2), dbSNP rs1265208461, ClinGen allele CA396870773.